The following is an entry in ClinVar:

NM_001014.5(RPS10):c.19A>T (p.Asn7Tyr)

Genes: RPS10-NUDT3 (RPS10-NUDT3 readthrough; minus strand), RPS10 (ribosomal protein S10; minus strand). Cytogenetic location: 6p21.31.
Variant type: single nucleotide variant.
Coding change: c.19A>T on transcript NM_001014.5 (MANE Select); coding-DNA position 19, A replaced by T.
Protein change: p.Asn7Tyr; replaces asparagine 7 with tyrosine.
Molecular consequence: missense variant.
Genome position (GRCh38, 1-based): chr6:34,425,203, T>A on the plus strand (A>T on the coding strand, the complement: RPS10 is on the minus strand). VCF-style: chr6-34425203-T-A. GRCh37 (hg19) VCF-style: chr6-34392980-T-A.
Other names: c.19A>T, p.Asn7Tyr (NM_001202470.3, NM_001203245.3, NM_001204091.2); short protein forms N7Y.
Identifiers: ClinVar variation 2073030 (VCV002073030.4), dbSNP rs2533032877, ClinGen allele CA363885939.

ClinVar aggregate classification (germline): Uncertain significance (1 of 4 stars; one submission).

Conditions:
Diamond-Blackfan anemia. Also called: Blackfan Diamond syndrome; Aregenerative anemia chronic congenital; Red cell aplasia, pure hereditary; Congenital hypoplastic anemia; Aase syndrome. Identifiers: Orphanet 124, MedGen C1260899, MeSH D029503, MONDO:0015253, HP:0004810.

Submission:

Labcorp Genetics (formerly Invitae), Labcorp
Classification: Uncertain significance for Diamond-Blackfan anemia. Last evaluated: 2022-06-18. Review status: criteria provided, single submitter. Criteria: Invitae Variant Classification Sherloc (09022015). Collection method: clinical testing. Allele origin: germline.
Comment: In summary, the available evidence is currently insufficient to determine the role of this variant in disease. Therefore, it has been classified as a Variant of Uncertain Significance. This sequence change replaces asparagine, which is neutral and polar, with tyrosine, which is neutral and polar, at codon 7 of the RPS10 protein (p.Asn7Tyr). This variant is not present in population databases (gnomAD no frequency). This variant has not been reported in the literature in individuals affected with RPS10-related conditions. Algorithms developed to predict the effect of missense changes on protein structure and function are either unavailable or do not agree on the potential impact of this missense change (SIFT: "Deleterious"; PolyPhen-2: "Possibly Damaging"; Align-GVGD: "Class C15").